The following is an entry in ClinVar:

ClinVar aggregate classification (germline): Uncertain significance (1 of 4 stars; one submission).

Submission:

GeneDx
Classification: Uncertain significance. Last evaluated: 2019-05-23. Review status: criteria provided, single submitter. Criteria: GeneDx Variant Classification Process June 2021. Collection method: clinical testing. Allele origin: germline. Affected: yes.
Comment: Not observed in large population cohorts (Lek et al., 2016); In silico analysis, which includes splice predictors and evolutionary conservation, supports a deleterious effect; Has not been previously published as pathogenic or benign to our knowledge

NM_006516.4(SLC2A1):c.868-6T>A

Gene: SLC2A1 (solute carrier family 2 member 1; minus strand). Cytogenetic location: 1p34.2.
Variant type: single nucleotide variant.
Coding change: c.868-6T>A on transcript NM_006516.4 (MANE Select); 6 bases into the intron before coding-DNA position 868, T replaced by A.
Molecular consequence: intron variant.
Genome position (GRCh38, 1-based): chr1:42,929,320, A>T on the plus strand (T>A on the coding strand, the complement: SLC2A1 is on the minus strand). VCF-style: chr1-42929320-A-T. GRCh37 (hg19) VCF-style: chr1-43394991-A-T.
Identifiers: ClinVar variation 1305762 (VCV001305762.2), dbSNP rs1643461960, ClinGen allele CA2573051568.